The following is an entry in ClinVar:

NM_000368.5(TSC1):c.1943T>C (p.Val648Ala)

Gene: TSC1 (TSC complex subunit 1; minus strand). Cytogenetic location: 9q34.13.
Variant type: single nucleotide variant.
Coding change: c.1943T>C on transcript NM_000368.5 (MANE Select); coding-DNA position 1943, T replaced by C.
Protein change: p.Val648Ala; replaces valine 648 with alanine.
Molecular consequence: missense variant.
Genome position (GRCh38, 1-based): chr9:132,905,635, A>G on the plus strand (T>C on the coding strand, the complement: TSC1 is on the minus strand). VCF-style: chr9-132905635-A-G. GRCh37 (hg19) VCF-style: chr9-135781022-A-G.
Other names: c.1940T>C, p.Val647Ala (NM_001162426.2); c.1790T>C, p.Val597Ala (NM_001162427.2); c.1580T>C, p.Val527Ala (NM_001362177.2); short protein forms V648A, V597A, V647A, V527A.
Identifiers: ClinVar variation 207612 (VCV000207612.25), dbSNP rs771341361, ClinGen allele CA030214.
Genomic context (GRCh38, chr9:132,905,635, plus strand): 5'-CCTTACTTGTTCAGCTCCTTGCTGTGCGCGTCTGCTCCCTGCTGTATCAGTCTGTCCAGC[A>G]CTTCCATTGGGGAGGTAGAGGGCACACCATCTTCCTCTGTGTTTCCTTTTGCTTTCTTTA-3'
Protein context (NP_000359.1, residues 638-658): DGVPSTSPME[Val648Ala]LDRLIQQGAD

ClinVar aggregate classification (germline): Conflicting classifications of pathogenicity. Review status: criteria provided, conflicting classifications (1 of 4 stars). 8 submissions from 8 submitters: Uncertain significance (5); Likely benign (2). 1 of the submissions does not count toward it. Last evaluated 2025-12-08.

Conditions:
Tuberous sclerosis 1 (TSC1). Identifiers: Orphanet 805, MedGen C1854465, MONDO:0008612, OMIM 191100.
Lymphangiomyomatosis (LAM). Also called: Lymphangioleiomyomatosis, somatic; Lymphangioleiomyomatosis. Identifiers: Orphanet 538, MedGen C0751674, MONDO:0011705, OMIM 606690.
Isolated focal cortical dysplasia type II (FCORD2). Also called: CORTICAL DYSPLASIA OF TAYLOR; Focal cortical dysplasia type II. Identifiers: Orphanet 268994, MedGen C1846385, MONDO:0011818, OMIM 607341, HP:0032051.
Hereditary cancer-predisposing syndrome. Also called: Neoplastic Syndromes, Hereditary; Hereditary Cancer Syndrome; Tumor predisposition; Hereditary neoplastic syndrome. Identifiers: Orphanet 140162, MedGen C0027672, MeSH D009386, MONDO:0015356.
Tuberous sclerosis syndrome (TSC). Also called: Tuberous Sclerosis Complex; Tuberous sclerosis. Identifiers: Orphanet 805, MedGen C0041341, MONDO:0001734.

Allele frequency attached by ClinVar (database versions not stated): gnomAD exomes below 0.00001 and 0.00001; ExAC 0.00001; gnomAD 0.00001; TOPMed 0.00002.
gnomAD v4.1: 8 of 1,614,082 alleles (0.0005%); highest among the groups gnomAD compares: Admixed American, 0.0017%; no homozygotes.

Submissions (8):

Labcorp Genetics (formerly Invitae), Labcorp
Classification: Likely benign for Tuberous sclerosis 1. Last evaluated: 2025-12-08. Review status: criteria provided, single submitter. Criteria: Invitae Variant Classification Sherloc (09022015). Collection method: clinical testing. Allele origin: germline.

Dasa
Classification: Uncertain significance. Last evaluated: 2025-12-03. Review status: criteria provided, single submitter. Criteria: DASA Assertion Criteria. Collection method: clinical testing. Allele origin: germline.
Comment: NM_000368.5(TSC1):c.1943T>C (p.Val648Ala) is a missense variant that results in the substitution of valine with alanine. This variant is rare in population databases. The currently available literature and clinical evidence are not sufficient to establish a definitive association between this variant and the reported condition. Therefore, this variant is classified as a variant of uncertain significance.

Color Diagnostics, LLC DBA Color Health
Classification: Uncertain significance for Tuberous sclerosis syndrome. Last evaluated: 2025-09-23. Review status: criteria provided, single submitter. Criteria: ACMG Guidelines, 2015. Collection method: clinical testing. Allele origin: germline.
Comment: This missense variant replaces valine with alanine at codon 648 of the TSC1 protein. Computational prediction is inconclusive regarding the impact of this variant on protein structure and function. To our knowledge, functional studies have not been reported for this variant. This variant has not been reported in individuals affected with TSC1-related disorders in the literature. This variant has been identified in 2/251414 chromosomes in the general population by the Genome Aggregation Database (gnomAD). The available evidence is insufficient to determine the role of this variant in disease conclusively. Therefore, this variant is classified as a Variant of Uncertain Significance.

Ambry Genetics
Classification: Uncertain significance for Hereditary cancer-predisposing syndrome. Last evaluated: 2025-05-14. Review status: criteria provided, single submitter. Criteria: Ambry Variant Classification Scheme 2023. Collection method: clinical testing. Allele origin: germline.
Comment: The p.V648A variant (also known as c.1943T>C), located in coding exon 13 of the TSC1 gene, results from a T to C substitution at nucleotide position 1943. The valine at codon 648 is replaced by alanine, an amino acid with similar properties. This amino acid position is highly conserved in available vertebrate species. In addition, the in silico prediction for this alteration is inconclusive. Based on the available evidence, the clinical significance of this variant remains unclear.

Blueprint Genetics
Classification: Uncertain significance. Last evaluated: 2024-11-04. Review status: criteria provided, single submitter. Criteria: ACMG Guidelines, 2015. Collection method: clinical testing. Allele origin: germline.

Fulgent Genetics
Classification: Uncertain significance for Tuberous sclerosis 1; Lymphangiomyomatosis; Isolated focal cortical dysplasia type II. Last evaluated: 2024-03-28. Review status: criteria provided, single submitter. Criteria: ACMG Guidelines, 2015. Collection method: clinical testing. Allele origin: germline.

Genome-Nilou Lab
Classification: Likely benign for Tuberous sclerosis 1. Last evaluated: 2021-11-07. Review status: criteria provided, single submitter. Criteria: ACMG Guidelines, 2015. Collection method: clinical testing. Allele origin: germline. Affected: no.

Gharavi Laboratory, Columbia University
Classification: Uncertain significance. Last evaluated: 2018-09-16. Review status: no assertion criteria provided. Criteria: ACMG Guidelines, 2015. Collection method: research. Allele origin: germline. Affected: no. Not counted in ClinVar's aggregate classification.